The following is an entry in ClinVar:

ClinVar aggregate classification (germline): Uncertain significance. Review status: criteria provided, multiple submitters, no conflicts (2 of 4 stars). 3 submissions from 3 submitters: Uncertain significance (3). Last evaluated 2025-08-13.

Conditions:
Infantile-onset ascending hereditary spastic paralysis (IAHSP). Also called: Infantile-Onset Ascending Hereditary Spastic Paralysis (IAHSP); Autosomal Recessive Juvenile Amyotrophic Lateral Sclerosis. Identifiers: Orphanet 293168, MedGen C2931441, MONDO:0011797, OMIM 607225. Disease mechanism: loss of function.
Inborn genetic diseases. Identifiers: MedGen C0950123, MeSH D030342.

Allele frequency attached by ClinVar (database versions not stated): gnomAD exomes below 0.00001; gnomAD 0.00001; TOPMed 0.00001.
gnomAD v4.1: 8 of 1,614,100 alleles (0.0005%); highest among the groups gnomAD compares: Middle Eastern, 0.016%; no homozygotes.

Submissions (3):

Ambry Genetics
Classification: Uncertain significance for Inborn genetic diseases. Last evaluated: 2025-08-13. Review status: criteria provided, single submitter. Criteria: Ambry Variant Classification Scheme 2023. Collection method: clinical testing. Allele origin: germline.

Revvity Omics, Revvity
Classification: Uncertain significance. Last evaluated: 2023-08-22. Review status: criteria provided, single submitter. Criteria: ACMG Guidelines, 2015. Collection method: clinical testing. Allele origin: germline.

Labcorp Genetics (formerly Invitae), Labcorp
Classification: Uncertain significance for Infantile-onset ascending hereditary spastic paralysis. Last evaluated: 2022-05-20. Review status: criteria provided, single submitter. Criteria: Invitae Variant Classification Sherloc (09022015). Collection method: clinical testing. Allele origin: germline.
Comment: In summary, the available evidence is currently insufficient to determine the role of this variant in disease. Therefore, it has been classified as a Variant of Uncertain Significance. Algorithms developed to predict the effect of missense changes on protein structure and function output the following: SIFT: "Tolerated"; PolyPhen-2: "Benign"; Align-GVGD: "Class C0". The alanine amino acid residue is found in multiple mammalian species, which suggests that this missense change does not adversely affect protein function. This variant has not been reported in the literature in individuals affected with ALS2-related conditions. This variant is present in population databases (no rsID available, gnomAD 0.004%). This sequence change replaces threonine, which is neutral and polar, with alanine, which is neutral and non-polar, at codon 327 of the ALS2 protein (p.Thr327Ala).

NM_020919.4(ALS2):c.979A>G (p.Thr327Ala)

Gene: ALS2 (alsin Rho guanine nucleotide exchange factor ALS2; minus strand). Cytogenetic location: 2q33.1.
Variant type: single nucleotide variant.
Coding change: c.979A>G on transcript NM_020919.4 (MANE Select); coding-DNA position 979, A replaced by G.
Protein change: p.Thr327Ala; replaces threonine 327 with alanine.
Molecular consequence: missense variant.
Genome position (GRCh38, 1-based): chr2:201,761,015, T>C on the plus strand (A>G on the coding strand, the complement: ALS2 is on the minus strand). VCF-style: chr2-201761015-T-C. GRCh37 (hg19) VCF-style: chr2-202625738-T-C.
Other names: c.979A>G (NM_020919.3); c.979A>G, p.Thr327Ala (NM_001135745.2); short protein forms T327A.
Identifiers: ClinVar variation 1401365 (VCV001401365.8), dbSNP rs918262232, ClinGen allele CA11343810.